The following is an entry in ClinVar:

ClinVar aggregate classification (germline): Uncertain significance (1 of 4 stars; one submission).

gnomAD v4.1: 1 of 1,614,204 alleles (0.000062%); highest among the groups gnomAD compares: East Asian, 0.0022%; no homozygotes.

Submission:

GeneDx
Classification: Uncertain significance. Last evaluated: 2025-05-21. Review status: criteria provided, single submitter. Criteria: GeneDx Variant Classification Process June 2021. Collection method: clinical testing. Allele origin: germline. Affected: yes.
Comment: Has not been previously published as pathogenic or benign to our knowledge; Not observed at significant frequency in large population cohorts (gnomAD); In silico analysis suggests that this missense variant does not alter protein structure/function

NM_017547.4(FOXRED1):c.149G>T (p.Cys50Phe)

Gene: FOXRED1 (FAD dependent oxidoreductase domain containing 1; plus strand). Cytogenetic location: 11q24.2.
Variant type: single nucleotide variant.
Coding change: c.149G>T on transcript NM_017547.4 (MANE Select); coding-DNA position 149, G replaced by T.
Protein change: p.Cys50Phe; replaces cysteine 50 with phenylalanine.
Molecular consequence: missense variant. On other transcripts: non-coding transcript variant (2), intron variant (3), 5 prime UTR variant (5).
Genome position (GRCh38, 1-based): chr11:126,271,500, G>T. VCF-style: chr11-126271500-G-T. GRCh37 (hg19) VCF-style: chr11-126141395-G-T.
Other names: c.-204-1469G>T (NM_001425168.1); c.-251-1469G>T (NM_001425172.1); c.-232-1469G>T (NM_001425173.1); c.149G>T, p.Cys50Phe (NM_001425160.1, NM_001425161.1, NM_001425163.1 and 4 more transcripts); c.-382G>T (NM_001425169.1); c.-362G>T (NM_001425170.1); c.-409G>T (NM_001425171.1); c.-390G>T (NM_001425174.1, NM_001425175.1); short protein forms C50F.
Identifiers: ClinVar variation 4531002 (VCV004531002.1).